The following is an entry in ClinVar:

ClinVar aggregate classification (germline): Uncertain significance (1 of 4 stars; one submission).

Conditions:
Inborn genetic diseases. Identifiers: MedGen C0950123, MeSH D030342.

Submission:

Ambry Genetics
Classification: Uncertain significance for Inborn genetic diseases. Last evaluated: 2026-09-05. Review status: criteria provided, single submitter. Criteria: Ambry Variant Classification Scheme 2023. Collection method: clinical testing. Allele origin: germline.
Comment: The p.L996P variant (also known as c.2987T>C), located in coding exon 13 of the BMPR2 gene, results from a T to C substitution at nucleotide position 2987. The leucine at codon 996 is replaced by proline, an amino acid with similar properties. This amino acid position is conserved. In addition, the in silico prediction for this alteration is inconclusive. Based on the available evidence, the clinical significance of this variant remains unclear.

NM_001204.7(BMPR2):c.2987T>C (p.Leu996Pro)

Gene: BMPR2 (bone morphogenetic protein receptor type 2; plus strand). Cytogenetic location: 2q33.2.
Variant type: single nucleotide variant.
Coding change: c.2987T>C on transcript NM_001204.7 (MANE Select); coding-DNA position 2987, T replaced by C.
Protein change: p.Leu996Pro; replaces leucine 996 with proline.
Molecular consequence: missense variant.
Genome position (GRCh38, 1-based): chr2:202,559,816, T>C. VCF-style: chr2-202559816-T-C. GRCh37 (hg19) VCF-style: chr2-203424539-T-C.
Other names: short protein forms L996P.
Identifiers: ClinVar variation 5033131 (VCV005033131.1).
Genomic context (GRCh38, chr2:202,559,816, plus strand): 5'-AAACTCCCTATTCTCTTAAGCGGTGGCGCCCCTCCACCTGGGTCATCTCCACTGAATCGC[T>C]GGACTGTGAAGTCAACAATAATGGCAGTAACAGGGCAGTTCATTCCAAATCCAGCACTGC-3'
Protein context (NP_001195.2, residues 986-1006): PSTWVISTES[Leu996Pro]DCEVNNNGSN